The following is an entry in ClinVar:

NM_001371904.1(APOA5):c.256C>G (p.Pro86Ala)

Gene: APOA5 (apolipoprotein A5; minus strand). Cytogenetic location: 11q23.3.
Variant type: single nucleotide variant.
Coding change: c.256C>G on transcript NM_001371904.1 (MANE Select); coding-DNA position 256, C replaced by G.
Protein change: p.Pro86Ala; replaces proline 86 with alanine.
Molecular consequence: missense variant.
Genome position (GRCh38, 1-based): chr11:116,790,973, G>C on the plus strand (C>G on the coding strand, the complement: APOA5 is on the minus strand). VCF-style: chr11-116790973-G-C. GRCh37 (hg19) VCF-style: chr11-116661689-G-C.
Other names: c.256C>G, p.Pro86Ala (NM_001166598.2, NM_052968.5); short protein forms P86A.
Identifiers: ClinVar variation 2702539 (VCV002702539.3), dbSNP rs2540244971, ClinGen allele CA382739706.

ClinVar aggregate classification (germline): Uncertain significance (1 of 4 stars; one submission).

Submission:

Labcorp Genetics (formerly Invitae), Labcorp
Classification: Uncertain significance. Last evaluated: 2023-12-18. Review status: criteria provided, single submitter. Criteria: Invitae Variant Classification Sherloc (09022015). Collection method: clinical testing. Allele origin: germline.
Comment: This sequence change replaces proline, which is neutral and non-polar, with alanine, which is neutral and non-polar, at codon 86 of the APOA5 protein (p.Pro86Ala). This variant is not present in population databases (gnomAD no frequency). This variant has not been reported in the literature in individuals affected with APOA5-related conditions. Algorithms developed to predict the effect of missense changes on protein structure and function output the following: SIFT: "Not Available"; PolyPhen-2: "Benign"; Align-GVGD: "Not Available". The alanine amino acid residue is found in multiple mammalian species, which suggests that this missense change does not adversely affect protein function. In summary, the available evidence is currently insufficient to determine the role of this variant in disease. Therefore, it has been classified as a Variant of Uncertain Significance.